The following is an entry in ClinVar:

ClinVar aggregate classification (germline): Uncertain significance. Review status: criteria provided, multiple submitters, no conflicts (2 of 4 stars). 4 submissions from 4 submitters: Uncertain significance (4). Last evaluated 2025-07-10.

Conditions:
Inborn genetic diseases. Identifiers: MedGen C0950123, MeSH D030342.

Allele frequency attached by ClinVar (database versions not stated): TOPMed below 0.00001; gnomAD 0.00001; gnomAD exomes 0.00001.

Submissions (4):

Labcorp Genetics (formerly Invitae), Labcorp
Classification: Uncertain significance. Last evaluated: 2025-07-10. Review status: criteria provided, single submitter. Criteria: Invitae Variant Classification Sherloc (09022015). Collection method: clinical testing. Allele origin: germline.
Comment: This sequence change replaces aspartic acid, which is acidic and polar, with valine, which is neutral and non-polar, at codon 504 of the ANKRD26 protein (p.Asp504Val). This variant is not present in population databases (gnomAD no frequency). This variant has not been reported in the literature in individuals affected with ANKRD26-related conditions. ClinVar contains an entry for this variant (Variation ID: 2179005). An algorithm developed to predict the effect of missense changes on protein structure and function (PolyPhen-2) suggests that this variant is likely to be tolerated. In summary, the available evidence is currently insufficient to determine the role of this variant in disease. Therefore, it has been classified as a Variant of Uncertain Significance.

Ambry Genetics
Classification: Uncertain significance for Inborn genetic diseases. Last evaluated: 2025-06-07. Review status: criteria provided, single submitter. Criteria: Ambry Variant Classification Scheme 2023. Collection method: clinical testing. Allele origin: germline.

GeneDx
Classification: Uncertain significance. Last evaluated: 2024-06-04. Review status: criteria provided, single submitter. Criteria: GeneDx Variant Classification Process June 2021. Collection method: clinical testing. Allele origin: germline. Affected: yes.
Comment: Not observed at significant frequency in large population cohorts (gnomAD); In silico analysis supports that this missense variant has a deleterious effect on protein structure/function; Has not been previously published as pathogenic or benign to our knowledge

Blueprint Genetics
Classification: Uncertain significance. Last evaluated: 2018-10-10. Review status: criteria provided, single submitter. Criteria: ACMG Guidelines, 2015. Collection method: clinical testing. Allele origin: germline.

NM_014915.3(ANKRD26):c.1511A>T (p.Asp504Val)

Gene: ANKRD26 (ankyrin repeat domain 26; minus strand). Cytogenetic location: 10p12.1.
Variant type: single nucleotide variant.
Coding change: c.1511A>T on transcript NM_014915.3 (MANE Select); coding-DNA position 1511, A replaced by T.
Protein change: p.Asp504Val; replaces aspartic acid 504 with valine.
Molecular consequence: missense variant.
Genome position (GRCh38, 1-based): chr10:27,060,398, T>A on the plus strand (A>T on the coding strand, the complement: ANKRD26 is on the minus strand). VCF-style: chr10-27060398-T-A. GRCh37 (hg19) VCF-style: chr10-27349327-T-A.
Other names: c.1511A>T, p.Asp504Val (NM_001256053.2); short protein forms D504V.
Identifiers: ClinVar variation 2179005 (VCV002179005.10), dbSNP rs2055012308, ClinGen allele CA376357171.
Genomic context (GRCh38, chr10:27,060,398, plus strand): 5'-CATTTACCTGCTTTGGATGTTTGTACATCCTTCATTCCTCCTGCTTTATTTGGAACAGAA[T>A]CTTTCATTTCAATGGTAGGCTGAATGGGTTTTGAAACAAAATGATTAATAAATAATGTAT-3'
Protein context (NP_055730.2, residues 494-514): LHLKPTIEMK[Asp504Val]SVPNKAGGMK